The following is an entry in ClinVar:

NM_001854.4(COL11A1):c.489-7T>G

Gene: COL11A1 (collagen type XI alpha 1 chain; minus strand). Cytogenetic location: 1p21.1.
Variant type: single nucleotide variant.
Coding change: c.489-7T>G on transcript NM_001854.4 (MANE Select); 7 bases into the intron before coding-DNA position 489, T replaced by G.
Molecular consequence: intron variant.
Genome position (GRCh38, 1-based): chr1:103,074,787, A>C on the plus strand (T>G on the coding strand, the complement: COL11A1 is on the minus strand). VCF-style: chr1-103074787-A-C. GRCh37 (hg19) VCF-style: chr1-103540343-A-C.
Other names: c.489-7T>G (NM_001190709.2, NM_080629.3, NM_080630.4).
Identifiers: ClinVar variation 291547 (VCV000291547.19), dbSNP rs372555374, ClinGen allele CA975428.

ClinVar aggregate classification (germline): Conflicting classifications of pathogenicity. Review status: criteria provided, conflicting classifications (1 of 4 stars). 7 submissions from 6 submitters: Uncertain significance (1); Benign (1); Likely benign (5). Last evaluated 2026-01-23.

Conditions:
COL11A1-related disorder. Also called: COL11A1-related condition; COL11A1-related disorders.
Fibrochondrogenesis 1 (FBCG1). Identifiers: Orphanet 2021, MedGen C3278138, MONDO:0009226, OMIM 228520.
Stickler syndrome type 2 (STL2). Also called: STICKLER SYNDROME, TYPE II; STICKLER SYNDROME, BEADED VITREOUS TYPE; STICKLER SYNDROME, VITREOUS TYPE 2; COL11A1-Related Stickler Syndrome. Identifiers: Orphanet 828, Orphanet 90654, MedGen C1858084, MONDO:0011493, OMIM 604841.

Allele frequency attached by ClinVar (database versions not stated): gnomAD exomes 0.00006 and 0.00016; ExAC 0.00022; gnomAD 0.00068; TOPMed 0.00076; ESP Exome Variant Server 0.00077; 1000 Genomes Project 30x 0.00125; 1000 Genomes Project 0.00140.
gnomAD v4.1: 183 of 1,612,968 alleles (0.011%); highest among the groups gnomAD compares: African/African-American, 0.24%; 1 homozygote.

Submissions (7):

PreventionGenetics, part of Exact Sciences
Classification: Likely benign for COL11A1-related condition. Last evaluated: 2026-01-23. Review status: criteria provided, single submitter. Criteria: ACMG Guidelines, 2015. Collection method: clinical testing. Allele origin: germline.
Comment: This variant is classified as likely benign based on ACMG/AMP sequence variant interpretation guidelines (Richards et al. 2015 PMID: 25741868, with internal and published modifications).

Labcorp Genetics (formerly Invitae), Labcorp
Classification: Benign. Last evaluated: 2026-01-21. Review status: criteria provided, single submitter. Criteria: Invitae Variant Classification Sherloc (09022015). Collection method: clinical testing. Allele origin: germline.

Blueprint Genetics
Classification: Likely benign. Last evaluated: 2024-05-13. Review status: criteria provided, single submitter. Criteria: ACMG Guidelines, 2015. Collection method: clinical testing. Allele origin: germline.

ARUP Laboratories, Molecular Genetics and Genomics, ARUP Laboratories
Classification: Likely benign. Last evaluated: 2023-05-04. Review status: criteria provided, single submitter. Criteria: ARUP Molecular Germline Variant Investigation Process 2024. Collection method: clinical testing. Allele origin: germline.

GeneDx
Classification: Likely benign. Last evaluated: 2021-10-02. Review status: criteria provided, single submitter. Criteria: GeneDx Variant Classification Process June 2021. Collection method: clinical testing. Allele origin: germline. Affected: yes.

Illumina Laboratory Services, Illumina
Classification: Uncertain significance for Fibrochondrogenesis 1. Last evaluated: 2018-01-13. Review status: criteria provided, single submitter. Criteria: ICSL Variant Classification Criteria 13 December 2019. Collection method: clinical testing. Allele origin: germline.

Illumina Laboratory Services, Illumina
Classification: Likely benign for Stickler syndrome type 2. Last evaluated: 2018-01-13. Review status: criteria provided, single submitter. Criteria: ICSL Variant Classification Criteria 13 December 2019. Collection method: clinical testing. Allele origin: germline.
Comment: This variant was observed in the ICSL laboratory as part of a predisposition screen in an ostensibly healthy population. It had not been previously curated by ICSL or reported in the Human Gene Mutation Database (HGMD: prior to June 1st, 2018), and was therefore a candidate for classification through an automated scoring system. Utilizing variant allele frequency, disease prevalence and penetrance estimates, and inheritance mode, an automated score was calculated to assess if this variant is too frequent to cause the disease. Based on the score and internal cut-off values, a variant classified as likely benign is not then subjected to further curation. The score for this variant resulted in a classification of likely benign for this disease.